The following is an entry in ClinVar:

NM_001365276.2(TNXB):c.4450G>A (p.Asp1484Asn)

Gene: TNXB (tenascin XB; minus strand). Cytogenetic location: 6p21.33.
Variant type: single nucleotide variant.
Coding change: c.4450G>A on transcript NM_001365276.2 (MANE Select); coding-DNA position 4450, G replaced by A.
Protein change: p.Asp1484Asn; replaces aspartic acid 1484 with asparagine.
Molecular consequence: missense variant.
Genome position (GRCh38, 1-based): chr6:32,073,878, C>T on the plus strand (G>A on the coding strand, the complement: TNXB is on the minus strand). VCF-style: chr6-32073878-C-T. GRCh37 (hg19) VCF-style: chr6-32041655-C-T.
Other names: c.5191G>A, p.Asp1731Asn (NM_001428335.1); c.4450G>A, p.Asp1484Asn (NM_019105.8); short protein forms D1484N, D1731N.
Identifiers: ClinVar variation 3809351 (VCV003809351.1).
Genomic context (GRCh38, chr6:32,073,878, plus strand): 5'-AGGAGTCAAACTGGCCCTCGGGGACTGTCCAGGAGAGGCCCACAGAGTTGGGGGTCACAT[C>T]TGTCACTGTCAGCTCTCCTAGGCGTGGCTCCAGCGGGGACTCAGTGGCTGGAGGGGTCTC-3'
Protein context (NP_001352205.1, residues 1474-1494): EPRLGELTVT[Asp1484Asn]VTPNSVGLSW

ClinVar aggregate classification (germline): Uncertain significance (1 of 4 stars; one submission).

Conditions:
Cardiovascular phenotype. Identifiers: MedGen CN230736.

Submission:

Ambry Genetics
Classification: Uncertain significance for Cardiovascular phenotype. Last evaluated: 2025-02-01. Review status: criteria provided, single submitter. Criteria: Ambry Variant Classification Scheme 2023. Collection method: clinical testing. Allele origin: germline.
Comment: The p.D1484N variant (also known as c.4450G>A), located in coding exon 11 of the TNXB gene, results from a G to A substitution at nucleotide position 4450. The aspartic acid at codon 1484 is replaced by asparagine, an amino acid with highly similar properties. This amino acid position is conserved. In addition, this alteration is predicted to be tolerated by in silico analysis. Based on the available evidence, the clinical significance of this variant remains unclear.